The following is an entry in ClinVar:

NM_019066.5(MAGEL2):c.2161T>A (p.Cys721Ser)

Gene: MAGEL2 (MAGE family member L2; minus strand). Cytogenetic location: 15q11.2.
Variant type: single nucleotide variant.
Coding change: c.2161T>A on transcript NM_019066.5 (MANE Select); coding-DNA position 2161, T replaced by A.
Protein change: p.Cys721Ser; replaces cysteine 721 with serine.
Molecular consequence: missense variant.
Genome position (GRCh38, 1-based): chr15:23,645,582, A>T on the plus strand (T>A on the coding strand, the complement: MAGEL2 is on the minus strand). VCF-style: chr15-23645582-A-T. GRCh37 (hg19) VCF-style: chr15-23890729-A-T.
Other names: c.2161T>A (NM_019066.4); short protein forms C721S.
Identifiers: ClinVar variation 1676556 (VCV001676556.4), dbSNP rs2140714182, ClinGen allele CA391332555.

ClinVar aggregate classification (germline): Uncertain significance. Review status: criteria provided, multiple submitters, no conflicts (2 of 4 stars). 2 submissions from 2 submitters: Uncertain significance (2). Last evaluated 2025-06-26.

Submissions (2):

GeneDx
Classification: Uncertain significance. Last evaluated: 2025-06-26. Review status: criteria provided, single submitter. Criteria: GeneDx Variant Classification Process June 2021. Collection method: clinical testing. Allele origin: germline. Affected: yes.
Comment: Not observed at significant frequency in large population cohorts (gnomAD); In silico analysis suggests that this missense variant does not alter protein structure/function; Has not been previously published as pathogenic or benign to our knowledge

Greenwood Genetic Center Diagnostic Laboratories, Greenwood Genetic Center
Classification: Uncertain significance. Last evaluated: 2022-01-25. Review status: criteria provided, single submitter. Criteria: ACMG Guidelines, 2015. Collection method: clinical testing. Allele origin: germline. Affected: yes.
Comment: PM2